The following is an entry in ClinVar:

NM_000548.5(TSC2):c.4789C>T (p.Leu1597=)

Gene: TSC2 (TSC complex subunit 2; plus strand). Cytogenetic location: 16p13.3.
Variant type: single nucleotide variant.
Coding change: c.4789C>T on transcript NM_000548.5 (MANE Select); coding-DNA position 4789, C replaced by T.
Protein change: p.Leu1597=; no amino-acid change (leucine 1597 retained).
Molecular consequence: synonymous variant. On other transcripts: non-coding transcript variant (5).
Genome position (GRCh38, 1-based): chr16:2,086,319, C>T. VCF-style: chr16-2086319-C-T. GRCh37 (hg19) VCF-style: chr16-2136320-C-T.
Other names: c.4588C>T, p.Leu1530= (NM_001077183.3); c.4720C>T, p.Leu1574= (NM_001114382.3); c.4480C>T, p.Leu1494= (NM_001318827.2); c.4444C>T, p.Leu1482= (NM_001318829.2); c.4057C>T, p.Leu1353= (NM_001318831.2); c.4621C>T, p.Leu1541= (NM_001318832.2); c.4591C>T, p.Leu1531= (NM_001363528.2); c.4657C>T, p.Leu1553= (NM_001370404.1); and 26 more.
Identifiers: ClinVar variation 2626411 (VCV002626411.6), dbSNP rs1459712779, ClinGen allele CA493043572.

ClinVar aggregate classification (germline): Benign/Likely benign. Review status: criteria provided, multiple submitters, no conflicts (2 of 4 stars). 3 submissions from 3 submitters: Benign (2); Likely benign (1). Last evaluated 2025-06-05.

Conditions:
Tuberous sclerosis 2 (TSC2). Identifiers: Orphanet 805, MedGen C1860707, MONDO:0013199, OMIM 613254.
Hereditary cancer-predisposing syndrome. Also called: Tumor predisposition; Neoplastic Syndromes, Hereditary; Hereditary Cancer Syndrome; Hereditary neoplastic syndrome. Identifiers: Orphanet 140162, MedGen C0027672, MeSH D009386, MONDO:0015356.

Allele frequency attached by ClinVar (database versions not stated): TOPMed below 0.00001; gnomAD 0.00001.
gnomAD v4.1: 1 of 1,612,836 alleles (0.000062%); highest among the groups gnomAD compares: African/African-American, 0.0013%; no homozygotes.

Submissions (3):

Myriad Genetics, Inc.
Classification: Benign for Tuberous sclerosis 2. Last evaluated: 2025-06-05. Review status: criteria provided, single submitter. Criteria: Myriad Autosomal Dominant, Autosomal Recessive and X-Linked Classification Criteria (2023). Collection method: clinical testing. Allele origin: unknown.
Comment: This variant is considered benign. This variant is a silent/synonymous amino acid change and it is not expected to impact splicing.

Ambry Genetics
Classification: Likely benign for Hereditary cancer-predisposing syndrome. Last evaluated: 2023-06-21. Review status: criteria provided, single submitter. Criteria: Ambry Variant Classification Scheme 2023. Collection method: clinical testing. Allele origin: germline.

Labcorp Genetics (formerly Invitae), Labcorp
Classification: Benign for Tuberous sclerosis 2. Last evaluated: 2022-11-10. Review status: criteria provided, single submitter. Criteria: Invitae Variant Classification Sherloc (09022015). Collection method: clinical testing. Allele origin: germline.